The following is an entry in ClinVar:

ClinVar aggregate classification (germline): Uncertain significance. Review status: criteria provided, multiple submitters, no conflicts (2 of 4 stars). 2 submissions from 2 submitters: Uncertain significance (2). Last evaluated 2025-05-11.

Conditions:
Short-rib thoracic dysplasia 10 with or without polydactyly (SRTD10). Identifiers: Orphanet 474, MedGen C3810175, MONDO:0014284, OMIM 615630.
Retinitis pigmentosa 71 (RP71). Identifiers: Orphanet 791, MedGen C4225342, MONDO:0014618, OMIM 616394.
IFT172-related disorder. Also called: IFT172-related disorders; IFT172-related condition.

Allele frequency attached by ClinVar (database versions not stated): gnomAD 0.00001; TOPMed 0.00001.
gnomAD v4.1: 5 of 1,612,618 alleles (0.00031%); highest among the groups gnomAD compares: African/African-American, 0.0013%; no homozygotes.

Submissions (2):

PreventionGenetics, part of Exact Sciences
Classification: Uncertain significance for IFT172-related condition. Last evaluated: 2025-05-11. Review status: criteria provided, single submitter. Criteria: ACMG Guidelines, 2015. Collection method: clinical testing. Allele origin: germline.
Comment: The IFT172 c.4981G>A variant is predicted to result in the amino acid substitution p.Val1661Ile. To our knowledge, this variant has not been reported in the literature. This variant is reported in 0.011% of alleles in individuals of African descent in gnomAD. At this time, the clinical significance of this variant is uncertain due to the absence of conclusive functional and genetic evidence.

Labcorp Genetics (formerly Invitae), Labcorp
Classification: Uncertain significance for Retinitis pigmentosa 71; Short-rib thoracic dysplasia 10 with or without polydactyly. Last evaluated: 2021-08-24. Review status: criteria provided, single submitter. Criteria: Invitae Variant Classification Sherloc (09022015). Collection method: clinical testing. Allele origin: germline.
Comment: This sequence change replaces valine with isoleucine at codon 1661 of the IFT172 protein (p.Val1661Ile). The valine residue is moderately conserved and there is a small physicochemical difference between valine and isoleucine. This variant is not present in population databases (ExAC no frequency). This variant has not been reported in the literature in individuals affected with IFT172-related conditions. Algorithms developed to predict the effect of missense changes on protein structure and function output the following: SIFT: "Tolerated"; PolyPhen-2: "Benign"; Align-GVGD: "Class C0". The isoleucine amino acid residue is found in multiple mammalian species, which suggests that this missense change does not adversely affect protein function. In summary, the available evidence is currently insufficient to determine the role of this variant in disease. Therefore, it has been classified as a Variant of Uncertain Significance.

NM_015662.3(IFT172):c.4981G>A (p.Val1661Ile)

Genes: IFT172 (intraflagellar transport 172; minus strand), KRTCAP3 (keratinocyte associated protein 3; plus strand). Cytogenetic location: 2p23.3.
Variant type: single nucleotide variant.
Coding change: c.4981G>A on transcript NM_015662.3 (MANE Select); coding-DNA position 4981, G replaced by A.
Protein change: p.Val1661Ile; replaces valine 1661 with isoleucine.
Molecular consequence: missense variant. On other transcripts: intron variant (1).
Genome position (GRCh38, 1-based): chr2:27,445,383, C>T on the plus strand (G>A on the coding strand, the complement: IFT172 is on the minus strand). VCF-style: chr2-27445383-C-T. GRCh37 (hg19) VCF-style: chr2-27668250-C-T.
Other names: c.4915G>A, p.Val1639Ile (NM_001410739.1); c.*6-918C>T (NM_001168364.2); short protein forms V1661I, V1639I.
Identifiers: ClinVar variation 1379644 (VCV001379644.8), dbSNP rs779670290, ClinGen allele CA44515686.
Genomic context (GRCh38, chr2:27,445,383, plus strand): 5'-CACCAGTGCTCGCTGCCACTAGGGAGGCCTCGTAGGCGCCACGCTCATCCCGAGGCAGAA[C>T]CTGCTCCAGCCGCTGGTCCATGGAGACTGTAAGCACCCAGTCTCGAACCTCTTCTCTCTC-3'
Protein context (NP_056477.1, residues 1651-1671): TVSMDQRLEQ[Val1661Ile]LPRDERGAYE